The following is an entry in ClinVar:

ClinVar aggregate classification (germline): Uncertain significance. Review status: reviewed by expert panel (3 of 4 stars). 5 submissions from 5 submitters: Uncertain significance (1). 4 of the submissions do not count toward it. Last evaluated 2024-11-26.

Conditions:
Seizures, benign familial infantile, 3 (BFIS3). Also called: CONVULSIONS, BENIGN FAMILIAL INFANTILE, 3; Familial neonatal seizures. Identifiers: Orphanet 140927, Orphanet 306, MedGen C1843140, MONDO:0011904, OMIM 607745.
Developmental and epileptic encephalopathy, 11 (DEE11). Also called: Early infantile epileptic encephalopathy 11. Identifiers: Orphanet 1934, MedGen C3150987, MONDO:0013388, OMIM 613721.
Complex neurodevelopmental disorder. Identifiers: Orphanet 528084, MedGen C5568766, MONDO:0100038.

Allele frequency attached by ClinVar (database versions not stated): ExAC 0.00001; gnomAD exomes 0.00001 and 0.00002.
gnomAD v4.1: 27 of 1,613,856 alleles (0.0017%); highest among the groups gnomAD compares: Non-Finnish European, 0.0019%; no homozygotes.

Submissions (5):

ClinGen Epilepsy Sodium Channel Variant Curation Expert Panel, Clingen
Classification: Uncertain significance for Complex neurodevelopmental disorder. Last evaluated: 2024-11-26. Review status: reviewed by expert panel. Criteria: ClinGen EpilepsySCN ACMG Specifications SCN2A V1.0.0. Collection method: curation. Allele origin: germline. Inheritance: Autosomal dominant inheritance.
Comment: The NM_001040142.2 c.4775T>C variant in SCN2A is a missense variant predicted to cause substitution of Isoleucine by Threonine at amino acid 1592 (p.Ile1592Thr). To our knowledge, this variant has not been reported in the literature in any individuals with Complex Neurodevelopmental Disorder. This variant does not reside within a region of SCN2A that is defined as a mutational hotspot or critical functional domain by the ClinGen Epilepsy Sodium Channel VCEP. The highest population minor allele frequency in gnomAD v4 is [0.00008001] (5/62490 alleles) in uncharacterized populations. (PM2_Supporting, BS1, and BA1 are not met). The computational predictor REVEL gives a score of 0.745, which is neither above nor below the thresholds predicting a damaging or benign impact on SCN2A function. In summary, this variant meets the criteria to be classified as a variant of uncertain significance for complex neurodevelopmental disorder based on the ACMG/AMP criteria applied, as specified by the ClinGen Epilepsy Sodium Channel VCEP: No criteria met. (VCEP specifications version 1.0.0; approved 11/26/2024)

Labcorp Genetics (formerly Invitae), Labcorp
Classification: Uncertain significance for Seizures, benign familial infantile, 3; Developmental and epileptic encephalopathy, 11. Last evaluated: 2025-03-27. Review status: criteria provided, single submitter. Criteria: Invitae Variant Classification Sherloc (09022015). Collection method: clinical testing. Allele origin: germline. Not counted in ClinVar's aggregate classification.
Comment: This sequence change replaces isoleucine, which is neutral and non-polar, with threonine, which is neutral and polar, at codon 1592 of the SCN2A protein (p.Ile1592Thr). This variant is present in population databases (rs199641159, gnomAD 0.002%). This variant has not been reported in the literature in individuals affected with SCN2A-related conditions. ClinVar contains an entry for this variant (Variation ID: 894363). Invitae Evidence Modeling of protein sequence and biophysical properties (such as structural, functional, and spatial information, amino acid conservation, physicochemical variation, residue mobility, and thermodynamic stability) indicates that this missense variant is expected to disrupt SCN2A protein function with a positive predictive value of 95%. In summary, the available evidence is currently insufficient to determine the role of this variant in disease. Therefore, it has been classified as a Variant of Uncertain Significance.

GeneDx
Classification: Uncertain significance. Last evaluated: 2023-04-05. Review status: criteria provided, single submitter. Criteria: GeneDx Variant Classification Process June 2021. Collection method: clinical testing. Allele origin: germline. Affected: yes. Not counted in ClinVar's aggregate classification.
Comment: Not observed at significant frequency in large population cohorts (gnomAD); In silico analysis supports that this missense variant has a deleterious effect on protein structure/function; This substitution is predicted to be within the extracellular/intracellular loop between the S2 and S2 transmembrane segments of the fourth homologous domain.; Missense variants in this gene are often considered pathogenic (HGMD); Has not been previously published as pathogenic or benign to our knowledge

CeGaT Center for Human Genetics Tuebingen
Classification: Uncertain significance. Last evaluated: 2021-05-01. Review status: criteria provided, single submitter. Criteria: CeGaT Center For Human Genetics Tuebingen Variant Classification Criteria Version 2. Collection method: clinical testing. Allele origin: germline. Affected: yes. Observed: 1 variant allele. Not counted in ClinVar's aggregate classification.

Illumina Laboratory Services, Illumina
Classification: Uncertain significance for Seizures, benign familial infantile, 3. Last evaluated: 2018-01-13. Review status: criteria provided, single submitter. Criteria: ICSL Variant Classification Criteria 13 December 2019. Collection method: clinical testing. Allele origin: germline. Not counted in ClinVar's aggregate classification.

NM_001040142.2(SCN2A):c.4775T>C (p.Ile1592Thr)

Gene: SCN2A (sodium voltage-gated channel alpha subunit 2; plus strand). Cytogenetic location: 2q24.3.
Variant type: single nucleotide variant.
Coding change: c.4775T>C on transcript NM_001040142.2 (MANE Select); coding-DNA position 4775, T replaced by C.
Protein change: p.Ile1592Thr; replaces isoleucine 1592 with threonine.
Molecular consequence: missense variant.
Genome position (GRCh38, 1-based): chr2:165,386,969, T>C. VCF-style: chr2-165386969-T-C. GRCh37 (hg19) VCF-style: chr2-166243479-T-C.
Other names: NM_001040142.2(SCN2A):c.4775T>C; p.Ile1592Thr; c.4775T>C, p.Ile1592Thr (NM_001040143.2, NM_001371246.1, NM_001371247.1 and 1 more transcripts); short protein forms I1592T.
Identifiers: ClinVar variation 894363 (VCV000894363.45), dbSNP rs199641159, ClinGen allele CA1940318.